The following is an entry in ClinVar:

ClinVar aggregate classification (germline): Uncertain significance (1 of 4 stars; one submission).

Submission:

Labcorp Genetics (formerly Invitae), Labcorp
Classification: Uncertain significance. Last evaluated: 2024-08-12. Review status: criteria provided, single submitter. Criteria: Invitae Variant Classification Sherloc (09022015). Collection method: clinical testing. Allele origin: germline.
Comment: This variant, c.727_756del, results in the deletion of 10 amino acid(s) of the MAGEL2 protein (p.Leu243_Pro252del), but otherwise preserves the integrity of the reading frame. This variant is not present in population databases (gnomAD no frequency). This variant has not been reported in the literature in individuals affected with MAGEL2-related conditions. ClinVar contains an entry for this variant (Variation ID: 1514677). Experimental studies and prediction algorithms are not available or were not evaluated, and the functional significance of this variant is currently unknown. In summary, the available evidence is currently insufficient to determine the role of this variant in disease. Therefore, it has been classified as a Variant of Uncertain Significance.

NM_019066.5(MAGEL2):c.727_756del (p.Leu243_Pro252del)

Gene: MAGEL2 (MAGE family member L2; minus strand). Cytogenetic location: 15q11.2.
Variant type: Deletion.
Coding change: c.727_756del on transcript NM_019066.5 (MANE Select); coding-DNA positions 727 to 756, 30 bases deleted (CTGACTCCGGGAGTCCTGATGGTCCAGCCT).
Protein change: p.Leu243_Pro252del.
Molecular consequence: inframe deletion.
Genome position (GRCh38, 1-based): chr15:23,646,987-23,647,016, AGGCTGGACCATCAGGACTCCCGGAGTCAG deleted on the plus strand (CTGACTCCGGGAGTCCTGATGGTCCAGCCT on the coding strand, the reverse complement: MAGEL2 is on the minus strand); deleting any 30 consecutive bases within chr15:23,646,987-23,647,023 gives the same sequence; the c. name uses the placement nearest the transcript's 3' end. VCF-style (leftmost placement, unchanged base first): chr15-23646986-CAGGCTGGACCATCAGGACTCCCGGAGTCAG-C. GRCh37 (hg19) VCF-style: chr15-23892133-CAGGCTGGACCATCAGGACTCCCGGAGTCAG-C.
Identifiers: ClinVar variation 1514677 (VCV001514677.6), dbSNP rs1890423566, ClinGen allele CA967691283.